The following is an entry in ClinVar:

ClinVar aggregate classification (germline): Uncertain significance. Review status: criteria provided, multiple submitters, no conflicts (2 of 4 stars). 4 submissions from 4 submitters: Uncertain significance (4). Last evaluated 2025-10-18.

Conditions:
Epidermolysis bullosa simplex 5C, with pyloric atresia (EBS5C). Also called: PLEC-Related Epidermolysis Bullosa with Pyloric Atresia; Epidermolysis bullosa simplex with pyloric atresia; PLEC1-Related Epidermolysis Bullosa with Pyloric Atresia. Identifiers: Orphanet 158684, MedGen C2677349, MONDO:0012807, OMIM 612138.
Epidermolysis bullosa simplex with nail dystrophy (EBS5D). Identifiers: MedGen C4225309, MONDO:0014661, OMIM 616487.
Epidermolysis bullosa simplex, Ogna type (EBS5A). Also called: Pidermolysis bullosa simplex 5A, Ogna type; EPIDERMOLYSIS BULLOSA SIMPLEX 5A, OGNA TYPE. Identifiers: Orphanet 79401, MedGen C0432317, MONDO:0007555, OMIM 131950.
Autosomal recessive limb-girdle muscular dystrophy type 2Q (LGMDR17). Also called: MUSCULAR DYSTROPHY, LIMB-GIRDLE, AUTOSOMAL RECESSIVE 17. Identifiers: Orphanet 254361, MedGen C3150989, MONDO:0013390, OMIM 613723.
Epidermolysis bullosa simplex 5B, with muscular dystrophy (EBS5B). Also called: EPIDERMOLYSIS BULLOSA SIMPLEX AND LIMB-GIRDLE MUSCULAR DYSTROPHY; Epidermolysis bullosa simplex with muscular dystrophy. Identifiers: Orphanet 257, MedGen C2931072, MONDO:0009181, OMIM 226670.
Inborn genetic diseases. Identifiers: MedGen C0950123, MeSH D030342.

Allele frequency attached by ClinVar (database versions not stated): gnomAD exomes 0.00001; ExAC 0.00002; gnomAD 0.00002; TOPMed 0.00003; 1000 Genomes Project 30x 0.00016; 1000 Genomes Project 0.00020.

Submissions (4):

Labcorp Genetics (formerly Invitae), Labcorp
Classification: Uncertain significance for Autosomal recessive limb-girdle muscular dystrophy type 2Q; Epidermolysis bullosa simplex, Ogna type; Epidermolysis bullosa simplex with nail dystrophy; Epidermolysis bullosa simplex 5C, with pyloric atresia; Epidermolysis bullosa simplex 5B, with muscular dystrophy. Last evaluated: 2025-10-18. Review status: criteria provided, single submitter. Criteria: Invitae Variant Classification Sherloc (09022015). Collection method: clinical testing. Allele origin: germline.
Comment: This sequence change replaces threonine, which is neutral and polar, with methionine, which is neutral and non-polar, at codon 1873 of the PLEC protein (p.Thr1873Met). This variant is present in population databases (rs573828495, gnomAD 0.008%). This variant has not been reported in the literature in individuals affected with PLEC-related conditions. ClinVar contains an entry for this variant (Variation ID: 2051695). Experimental studies and prediction algorithms are not available or were not evaluated, and the functional significance of this variant is currently unknown. In summary, the available evidence is currently insufficient to determine the role of this variant in disease. Therefore, it has been classified as a Variant of Uncertain Significance.

Ambry Genetics
Classification: Uncertain significance for Inborn genetic diseases. Last evaluated: 2025-04-02. Review status: criteria provided, single submitter. Criteria: Ambry Variant Classification Scheme 2023. Collection method: clinical testing. Allele origin: germline.

Blueprint Genetics
Classification: Uncertain significance. Last evaluated: 2023-09-20. Review status: criteria provided, single submitter. Criteria: ACMG Guidelines, 2015. Collection method: clinical testing. Allele origin: germline.

Revvity Omics, Revvity
Classification: Uncertain significance. Last evaluated: 2023-01-12. Review status: criteria provided, single submitter. Criteria: ACMG Guidelines, 2015. Collection method: clinical testing. Allele origin: germline.

NM_201384.3(PLEC):c.5537C>T (p.Thr1846Met)

Gene: PLEC (plectin; minus strand). Cytogenetic location: 8q24.3.
Variant type: single nucleotide variant.
Coding change: c.5537C>T on transcript NM_201384.3 (MANE Select); coding-DNA position 5537, C replaced by T.
Protein change: p.Thr1846Met; replaces threonine 1846 with methionine.
Molecular consequence: missense variant.
Genome position (GRCh38, 1-based): chr8:143,924,392, G>A on the plus strand (C>T on the coding strand, the complement: PLEC is on the minus strand). VCF-style: chr8-143924392-G-A. GRCh37 (hg19) VCF-style: chr8-144998560-G-A.
Other names: c.5618C>T (NM_000445.3); c.5618C>T, p.Thr1873Met (NM_000445.5); c.5495C>T, p.Thr1832Met (NM_201378.4); c.5471C>T, p.Thr1824Met (NM_201379.3); c.5948C>T, p.Thr1983Met (NM_201380.4); c.5441C>T, p.Thr1814Met (NM_201381.3); c.5537C>T, p.Thr1846Met (NM_201382.4); c.5549C>T, p.Thr1850Met (NM_201383.3); short protein forms T1814M, T1824M, T1850M, T1832M, T1873M, T1846M, T1983M.
Identifiers: ClinVar variation 2051695 (VCV002051695.9), dbSNP rs573828495, ClinGen allele CA4926334.
Genomic context (GRCh38, chr8:143,924,392, plus strand): 5'-AGGCGCTCGTTCTCCGCCTCCTTCTCCTTGAGCGCGATCTCCGCCTCCGTCTTGAGCCGC[G>A]TGGCCTCGCCGATGGCGGCCAGCTTCTCCGCAAGCACCCGCTCCGCCTCGGCCCGCTGCC-3'
Protein context (NP_958786.1, residues 1836-1856): AEKLAAIGEA[Thr1846Met]RLKTEAEIAL